The following is an entry in ClinVar:

ClinVar aggregate classification (germline): Likely pathogenic (1 of 4 stars; one submission).

Conditions:
Hereditary cancer-predisposing syndrome. Also called: Hereditary Cancer Syndrome; Tumor predisposition; Hereditary neoplastic syndrome; Neoplastic Syndromes, Hereditary. Identifiers: Orphanet 140162, MedGen C0027672, MeSH D009386, MONDO:0015356.

Submission:

Ambry Genetics
Classification: Likely pathogenic for Hereditary cancer-predisposing syndrome. Last evaluated: 2026-06-03. Review status: criteria provided, single submitter. Criteria: Ambry Variant Classification Scheme 2023. Collection method: clinical testing. Allele origin: germline.
Comment: The p.F11S variant (also known as c.32T>C), located in coding exon 1 of the MEN1 gene, results from a T to C substitution at nucleotide position 32. The phenylalanine at codon 11 is replaced by serine, an amino acid with highly dissimilar properties. This variant was reported in individual(s) with features consistent with multiple endocrine neoplasia type 1(Ambry internal data). This amino acid position is highly conserved in available vertebrate species. In addition, this alteration is predicted to be deleterious by in silico analysis. Based on the majority of available evidence to date, this variant is likely to be pathogenic.

NM_001370259.2(MEN1):c.32T>C (p.Phe11Ser)

Gene: MEN1 (menin 1; minus strand). Cytogenetic location: 11q13.1.
Variant type: single nucleotide variant.
Coding change: c.32T>C on transcript NM_001370259.2 (MANE Select); coding-DNA position 32, T replaced by C.
Protein change: p.Phe11Ser; replaces phenylalanine 11 with serine.
Molecular consequence: missense variant.
Genome position (GRCh38, 1-based): chr11:64,810,078, A>G on the plus strand (T>C on the coding strand, the complement: MEN1 is on the minus strand). VCF-style: chr11-64810078-A-G. GRCh37 (hg19) VCF-style: chr11-64577550-A-G.
Other names: c.32T>C, p.Phe11Ser (NM_000244.4, NM_001370251.2, NM_001370260.2 and 9 more transcripts); short protein forms F11S.
Identifiers: ClinVar variation 428079 (VCV000428079.7), dbSNP rs1114167535, ClinGen allele CA381188234.